The following is an entry in ClinVar:

ClinVar aggregate classification (germline): Benign. Review status: criteria provided, multiple submitters, no conflicts (2 of 4 stars). 2 submissions from 2 submitters: Benign (2). Last evaluated 2018-07-07.

Conditions:
Frank-Ter Haar syndrome. Also called: BORRONE DERMATOCARDIOSKELETAL SYNDROME; TER HAAR SYNDROME; MELNICK-NEEDLES SYNDROME, AUTOSOMAL RECESSIVE; Borrone di Rocco Crovato syndrome. Identifiers: Orphanet 1266, Orphanet 137834, MedGen C1855305, MONDO:0009579, OMIM 249420.

Allele frequency attached by ClinVar (database versions not stated): 1000 Genomes Project 0.21665; 1000 Genomes Project 30x 0.22470; TOPMed 0.27779; gnomAD 0.28132 and 0.28497.
gnomAD v4.1: 359,665 of 1,057,384 alleles (34%); highest among the groups gnomAD compares: Non-Finnish European, 36%; 62,560 homozygotes.

Submissions (2):

GeneDx
Classification: Benign. Last evaluated: 2018-07-07. Review status: criteria provided, single submitter. Criteria: GeneDx Variant Classification Process June 2021. Collection method: clinical testing. Allele origin: germline. Affected: yes.

Illumina Laboratory Services, Illumina
Classification: Benign for Frank-Ter Haar syndrome. Last evaluated: 2018-01-13. Review status: criteria provided, single submitter. Criteria: ICSL Variant Classification Criteria 13 December 2019. Collection method: clinical testing. Allele origin: germline.
Comment: This variant was observed in the ICSL laboratory as part of a predisposition screen in an ostensibly healthy population. It had not been previously curated by ICSL or reported in the Human Gene Mutation Database (HGMD: prior to June 1st, 2018), and was therefore a candidate for classification through an automated scoring system. Utilizing variant allele frequency, disease prevalence and penetrance estimates, and inheritance mode, an automated score was calculated to assess if this variant is too frequent to cause the disease. Based on the score and internal cut-off values, a variant classified as benign is not then subjected to further curation. The score for this variant resulted in a classification of benign for this disease.

NM_001017995.3(SH3PXD2B):c.-67C>T

Gene: SH3PXD2B (SH3 and PX domains 2B; minus strand). Cytogenetic location: 5q35.1.
Variant type: single nucleotide variant.
Coding change: c.-67C>T on transcript NM_001017995.3 (MANE Select); 67 bases upstream of the start codon, C replaced by T.
Molecular consequence: 5 prime UTR variant.
Genome position (GRCh38, 1-based): chr5:172,454,419, G>A on the plus strand (C>T on the coding strand, the complement: SH3PXD2B is on the minus strand). VCF-style: chr5-172454419-G-A. GRCh37 (hg19) VCF-style: chr5-171881423-G-A.
Other names: c.-67C>T (NM_001308175.2).
Identifiers: ClinVar variation 352832 (VCV000352832.7), dbSNP rs139600850, ClinGen allele CA10624200.